The following is an entry in ClinVar:

ClinVar aggregate classification (germline): Uncertain significance (0 of 4 stars; one submission).

Conditions:
PKD1L1-related disorder. Also called: PKD1L1-related condition.

gnomAD v4.1: 14 of 1,613,876 alleles (0.00087%); highest among the groups gnomAD compares: Non-Finnish European, 0.0011%; no homozygotes.

Submission:

PreventionGenetics, part of Exact Sciences
Classification: Uncertain significance for PKD1L1-related condition. Last evaluated: 2024-07-08. Review status: no assertion criteria provided. Collection method: clinical testing. Allele origin: germline.
Comment: The PKD1L1 c.775A>T variant is predicted to result in the amino acid substitution p.Ser259Cys. To our knowledge, this variant has not been reported in the literature. This variant is reported in 0.0023% of alleles in individuals of European (Non-Finnish) descent in gnomAD. At this time, the clinical significance of this variant is uncertain due to the absence of conclusive functional and genetic evidence.

NM_138295.5(PKD1L1):c.775A>T (p.Ser259Cys)

Gene: PKD1L1 (polycystin 1 like 1, transient receptor potential channel interacting; minus strand). Cytogenetic location: 7p12.3.
Variant type: single nucleotide variant.
Coding change: c.775A>T on transcript NM_138295.5 (MANE Select); coding-DNA position 775, A replaced by T.
Protein change: p.Ser259Cys; replaces serine 259 with cysteine.
Molecular consequence: missense variant.
Genome position (GRCh38, 1-based): chr7:47,929,489, T>A on the plus strand (A>T on the coding strand, the complement: PKD1L1 is on the minus strand). VCF-style: chr7-47929489-T-A. GRCh37 (hg19) VCF-style: chr7-47969086-T-A.
Other names: short protein forms S259C.
Identifiers: ClinVar variation 3358811 (VCV003358811.1).